The following is an entry in ClinVar:

NM_001318510.2(ACSL4):c.283A>G (p.Asn95Asp)

Gene: ACSL4 (acyl-CoA synthetase long chain family member 4; minus strand). Cytogenetic location: Xq23.
Variant type: single nucleotide variant.
Coding change: c.283A>G on transcript NM_001318510.2 (MANE Select); coding-DNA position 283, A replaced by G.
Protein change: p.Asn95Asp; replaces asparagine 95 with aspartic acid.
Molecular consequence: missense variant.
Genome position (GRCh38, 1-based): chrX:109,682,842, T>C on the plus strand (A>G on the coding strand, the complement: ACSL4 is on the minus strand). VCF-style: chrX-109682842-T-C. GRCh37 (hg19) VCF-style: chrX-108926071-T-C.
Other names: c.406A>G, p.Asn136Asp (NM_001318509.2, NM_022977.3); c.283A>G, p.Asn95Asp (NM_004458.3); short protein forms N136D, N95D.
Identifiers: ClinVar variation 2662472 (VCV002662472.2), dbSNP rs1924279607, ClinGen allele CA414218700.

ClinVar aggregate classification (germline): Uncertain significance. Review status: criteria provided, multiple submitters, no conflicts (2 of 4 stars). 2 submissions from 2 submitters: Uncertain significance (2). Last evaluated 2025-03-17.

Conditions:
Inborn genetic diseases. Identifiers: MedGen C0950123, MeSH D030342.

Allele frequency attached by ClinVar (database versions not stated): TOPMed below 0.00001.

Submissions (2):

Ambry Genetics
Classification: Uncertain significance for Inborn genetic diseases. Last evaluated: 2025-03-17. Review status: criteria provided, single submitter. Criteria: Ambry Variant Classification Scheme 2023. Collection method: clinical testing. Allele origin: germline.

GeneDx
Classification: Uncertain significance. Last evaluated: 2023-04-13. Review status: criteria provided, single submitter. Criteria: GeneDx Variant Classification Process June 2021. Collection method: clinical testing. Allele origin: germline. Affected: yes.
Comment: Not observed at significant frequency in large population cohorts (gnomAD); In silico analysis supports that this missense variant does not alter protein structure/function; Has not been previously published as pathogenic or benign to our knowledge